The following is an entry in ClinVar:

NM_002296.4(LBR):c.*330T>G

Gene: LBR (lamin B receptor; minus strand). Cytogenetic location: 1q42.12.
Variant type: single nucleotide variant.
Coding change: c.*330T>G on transcript NM_002296.4 (MANE Select); 330 bases downstream of the stop codon, T replaced by G.
Molecular consequence: 3 prime UTR variant.
Genome position (GRCh38, 1-based): chr1:225,402,973, A>C on the plus strand (T>G on the coding strand, the complement: LBR is on the minus strand). VCF-style: chr1-225402973-A-C. GRCh37 (hg19) VCF-style: chr1-225590675-A-C.
Other names: c.*330T>G (NM_194442.3).
Identifiers: ClinVar variation 295927 (VCV000295927.6), dbSNP rs16844841, ClinGen allele CA10609350.
Genomic context (GRCh38, chr1:225,402,973, plus strand): 5'-GGAACAGTGTTTTCATTTAAGAAAAGCCAACTGGCAAAAAAACATCAAAATTTGAAAAGT[A>C]ATCAGAAACCATAAACATCAATAGCATTCTTCACAGTACATTTATATTAAGACTGTCTTC-3'

ClinVar aggregate classification (germline): Benign. Review status: criteria provided, multiple submitters, no conflicts (2 of 4 stars). 2 submissions from 2 submitters: Benign (2). Last evaluated 2018-01-13.

Conditions:
Greenberg dysplasia (GRBGD). Also called: CHONDRODYSTROPHY, HYDROPIC AND PRENATALLY LETHAL TYPE; MOTH-EATEN SKELETAL DYSPLASIA; HEM SKELETAL DYSPLASIA. Identifiers: Orphanet 1426, MedGen C2931048, MONDO:0008974, OMIM 215140.

Allele frequency attached by ClinVar (database versions not stated): TOPMed 0.03768; 1000 Genomes Project 30x 0.03951; 1000 Genomes Project 0.04153; gnomAD 0.04260 and 0.04356; gnomAD exomes 0.04838.

Submissions (2):

Illumina Laboratory Services, Illumina
Classification: Benign for Greenberg dysplasia. Last evaluated: 2018-01-13. Review status: criteria provided, single submitter. Criteria: ICSL Variant Classification Criteria 13 December 2019. Collection method: clinical testing. Allele origin: germline.
Comment: This variant was observed in the ICSL laboratory as part of a predisposition screen in an ostensibly healthy population. It had not been previously curated by ICSL or reported in the Human Gene Mutation Database (HGMD: prior to June 1st, 2018), and was therefore a candidate for classification through an automated scoring system. Utilizing variant allele frequency, disease prevalence and penetrance estimates, and inheritance mode, an automated score was calculated to assess if this variant is too frequent to cause the disease. Based on the score and internal cut-off values, a variant classified as benign is not then subjected to further curation. The score for this variant resulted in a classification of benign for this disease.

Breakthrough Genomics
Classification: Benign. Review status: criteria provided, single submitter. Criteria: ACMG Guidelines, 2015. Collection method: not provided. Allele origin: germline. Inheritance: Autosomal recessive inheritance. Affected: yes.